The following is an entry in ClinVar:

NM_019066.5(MAGEL2):c.169G>C (p.Ala57Pro)

Gene: MAGEL2 (MAGE family member L2; minus strand). Cytogenetic location: 15q11.2.
Variant type: single nucleotide variant.
Coding change: c.169G>C on transcript NM_019066.5 (MANE Select); coding-DNA position 169, G replaced by C.
Protein change: p.Ala57Pro; replaces alanine 57 with proline.
Molecular consequence: missense variant.
Genome position (GRCh38, 1-based): chr15:23,647,574, C>G on the plus strand (G>C on the coding strand, the complement: MAGEL2 is on the minus strand). VCF-style: chr15-23647574-C-G. GRCh37 (hg19) VCF-style: chr15-23892721-C-G.
Other names: short protein forms A57P.
Identifiers: ClinVar variation 3361759 (VCV003361759.1).

ClinVar aggregate classification (germline): Uncertain significance (1 of 4 stars; one submission).

Submission:

GeneDx
Classification: Uncertain significance. Last evaluated: 2023-08-02. Review status: criteria provided, single submitter. Criteria: GeneDx Variant Classification Process June 2021. Collection method: clinical testing. Allele origin: germline. Affected: yes.
Comment: Not observed at significant frequency in large population cohorts (gnomAD); In silico analysis supports that this missense variant has a deleterious effect on protein structure/function; Has not been previously published as pathogenic or benign to our knowledge